The following is an entry in ClinVar:

NM_138459.5(NUS1):c.626A>T (p.Gln209Leu)

Gene: NUS1 (NUS1 dehydrodolichyl diphosphate synthase subunit; plus strand). Cytogenetic location: 6q22.1.
Variant type: single nucleotide variant.
Coding change: c.626A>T on transcript NM_138459.5 (MANE Select); coding-DNA position 626, A replaced by T.
Protein change: p.Gln209Leu; replaces glutamine 209 with leucine.
Molecular consequence: missense variant.
Genome position (GRCh38, 1-based): chr6:117,694,115, A>T. VCF-style: chr6-117694115-A-T. GRCh37 (hg19) VCF-style: chr6-118015278-A-T.
Other names: short protein forms Q209L.
Identifiers: ClinVar variation 3376086 (VCV003376086.1).

ClinVar aggregate classification (germline): Uncertain significance (1 of 4 stars; one submission).

Submission:

GeneDx
Classification: Uncertain significance. Last evaluated: 2024-05-03. Review status: criteria provided, single submitter. Criteria: GeneDx Variant Classification Process June 2021. Collection method: clinical testing. Allele origin: germline. Affected: yes.
Comment: Not observed at significant frequency in large population cohorts (gnomAD); In silico analysis supports that this missense variant has a deleterious effect on protein structure/function; Has not been previously published as pathogenic or benign to our knowledge